The following is an entry in ClinVar:

ClinVar aggregate classification (germline): Uncertain significance (1 of 4 stars; one submission).

Conditions:
Autosomal recessive limb-girdle muscular dystrophy type 2J (LGMDR10). Also called: Limb-girdle muscular dystrophy, type 2J; MUSCULAR DYSTROPHY, LIMB-GIRDLE, AUTOSOMAL RECESSIVE 10. Identifiers: Orphanet 140922, MedGen C1837342, MONDO:0012127, OMIM 608807.
Dilated cardiomyopathy 1G (CMD1G). Identifiers: Orphanet 154, MedGen C1858763, MONDO:0011400, OMIM 604145.

Allele frequency attached by ClinVar (database versions not stated): gnomAD 0.00002; TOPMed 0.00002.
gnomAD v4.1: 9 of 1,613,808 alleles (0.00056%); highest among the groups gnomAD compares: African/African-American, 0.0053%; no homozygotes.

Submission:

Labcorp Genetics (formerly Invitae), Labcorp
Classification: Uncertain significance for Dilated cardiomyopathy 1G; Autosomal recessive limb-girdle muscular dystrophy type 2J. Last evaluated: 2024-07-15. Review status: criteria provided, single submitter. Criteria: Invitae Variant Classification Sherloc (09022015). Collection method: clinical testing. Allele origin: germline.
Comment: This sequence change replaces alanine, which is neutral and non-polar, with valine, which is neutral and non-polar, at codon 34329 of the TTN protein (p.Ala34329Val). This variant is present in population databases (no rsID available, gnomAD 0.007%). This variant has not been reported in the literature in individuals affected with TTN-related conditions. ClinVar contains an entry for this variant (Variation ID: 2418003). Experimental studies and prediction algorithms are not available or were not evaluated, and the functional significance of this variant is currently unknown. This variant is located in the M band of TTN (PMID: 25589632). Non-truncating variants in this region may be relevant for neuromuscular disorders, but have not been definitively shown to cause cardiomyopathy (PMID: 23975875). In summary, the available evidence is currently insufficient to determine the role of this variant in disease. Therefore, it has been classified as a Variant of Uncertain Significance.

Literature cited by the submitters: PubMed 25589632; PubMed 23975875.

NM_001267550.2(TTN):c.102986C>T (p.Ala34329Val)

Genes: TTN-AS1 (TTN antisense RNA 1; plus strand), TTN (titin; minus strand). Cytogenetic location: 2q31.2.
Variant type: single nucleotide variant.
Coding change: c.102986C>T on transcript NM_001267550.2 (MANE Select); coding-DNA position 102986, C replaced by T.
Protein change: p.Ala34329Val; replaces alanine 34329 with valine.
Molecular consequence: missense variant.
Genome position (GRCh38, 1-based): chr2:178,533,629, G>A on the plus strand (C>T on the coding strand, the complement: TTN is on the minus strand). VCF-style: chr2-178533629-G-A. GRCh37 (hg19) VCF-style: chr2-179398356-G-A.
Other names: c.98063C>T, p.Ala32688Val (NM_001256850.1); c.75791C>T, p.Ala25264Val (NM_003319.4); c.95282C>T, p.Ala31761Val (NM_133378.4); c.76166C>T, p.Ala25389Val (NM_133432.3); c.76367C>T, p.Ala25456Val (NM_133437.4); short protein forms A25264V, A25389V, A25456V, A31761V, A32688V, A34329V.
Identifiers: ClinVar variation 2418003 (VCV002418003.8), dbSNP rs1472884048, ClinGen allele CA349415599.
Genomic context (GRCh38, chr2:178,533,629, plus strand): 5'-GTCAGCTTTGCTTTACAGCTGTCTTCACCATATTTGTTCCTTGCCACAACAGTATATTCA[G>A]CGTCATCATCTGTAGTGACACTGTTGATTGTTAATTGGTAAAGACCCTTGTCTGACTCAA-3'
Protein context (NP_001254479.2, residues 34319-34339): TINSVTTDDD[Ala34329Val]EYTVVARNKY